The following is an entry in ClinVar:

NM_014915.3(ANKRD26):c.5042G>A (p.Gly1681Glu)

Gene: ANKRD26 (ankyrin repeat domain containing 26; minus strand). Cytogenetic location: 10p12.1.
Variant type: single nucleotide variant.
Coding change: c.5042G>A on transcript NM_014915.3 (MANE Select); coding-DNA position 5042, G replaced by A.
Protein change: p.Gly1681Glu; replaces glycine 1681 with glutamic acid.
Molecular consequence: missense variant.
Genome position (GRCh38, 1-based): chr10:27,005,681, C>T on the plus strand (G>A on the coding strand, the complement: ANKRD26 is on the minus strand). VCF-style: chr10-27005681-C-T. GRCh37 (hg19) VCF-style: chr10-27294610-C-T.
Other names: c.5039G>A, p.Gly1680Glu (NM_001256053.2); short protein forms G1680E, G1681E.
Identifiers: ClinVar variation 3914344 (VCV003914344.1).
Genomic context (GRCh38, chr10:27,005,681, plus strand): 5'-ACATATTCTCTTGATGCTTTCCAAACTAGATCTTGATTTAGATTTGACTCATCAGTAGAC[C>T]CTAGAGGGGAAGCTATTGATCCAGATTCCAATTCAGCAGCAGCTAGAATGAAAAAGAAAG-3'
Protein context (NP_055730.2, residues 1671-1691): LESGSIASPL[Gly1681Glu]STDESNLNQD

ClinVar aggregate classification (germline): Uncertain significance (1 of 4 stars; one submission).

Conditions:
Inborn genetic diseases. Identifiers: MedGen C0950123, MeSH D030342.

Submission:

Ambry Genetics
Classification: Uncertain significance for Inborn genetic diseases. Last evaluated: 2025-05-10. Review status: criteria provided, single submitter. Criteria: Ambry Variant Classification Scheme 2023. Collection method: clinical testing. Allele origin: germline.
Comment: The p.G1681E variant (also known as c.5042G>A), located in coding exon 34 of the ANKRD26 gene, results from a G to A substitution at nucleotide position 5042. The glycine at codon 1681 is replaced by glutamic acid, an amino acid with similar properties. This amino acid position is conserved. In addition, this alteration is predicted to be tolerated by in silico analysis. Based on the available evidence, the clinical significance of this variant remains unclear.